The following is an entry in ClinVar:

ClinVar aggregate classification (germline): Uncertain significance (1 of 4 stars; one submission).

gnomAD v4.1: 3 of 1,614,188 alleles (0.00019%); highest among the groups gnomAD compares: African/African-American, 0.0027%; no homozygotes.

Submission:

Labcorp Genetics (formerly Invitae), Labcorp
Classification: Uncertain significance. Last evaluated: 2024-02-14. Review status: criteria provided, single submitter. Criteria: Invitae Variant Classification Sherloc (09022015). Collection method: clinical testing. Allele origin: germline.
Comment: This sequence change replaces leucine, which is neutral and non-polar, with proline, which is neutral and non-polar, at codon 1046 of the COL4A4 protein (p.Leu1046Pro). This variant is present in population databases (no rsID available, gnomAD 0.003%). This variant has not been reported in the literature in individuals affected with COL4A4-related conditions. Advanced modeling of protein sequence and biophysical properties (such as structural, functional, and spatial information, amino acid conservation, physicochemical variation, residue mobility, and thermodynamic stability) performed at Invitae indicates that this missense variant is not expected to disrupt COL4A4 protein function with a negative predictive value of 95%. In summary, the available evidence is currently insufficient to determine the role of this variant in disease. Therefore, it has been classified as a Variant of Uncertain Significance.

NM_000092.5(COL4A4):c.3137T>C (p.Leu1046Pro)

Gene: COL4A4 (collagen type IV alpha 4 chain; minus strand). Cytogenetic location: 2q36.3.
Variant type: single nucleotide variant.
Coding change: c.3137T>C on transcript NM_000092.5 (MANE Select); coding-DNA position 3137, T replaced by C.
Protein change: p.Leu1046Pro; replaces leucine 1046 with proline.
Molecular consequence: missense variant.
Genome position (GRCh38, 1-based): chr2:227,050,990, A>G on the plus strand (T>C on the coding strand, the complement: COL4A4 is on the minus strand). VCF-style: chr2-227050990-A-G. GRCh37 (hg19) VCF-style: chr2-227915706-A-G.
Other names: short protein forms L1046P.
Identifiers: ClinVar variation 3614200 (VCV003614200.2).